The following is an entry in ClinVar:

NM_001040108.2(MLH3):c.2740del (p.Val914fs)

Gene: MLH3 (mutL homolog 3; minus strand). Cytogenetic location: 14q24.3.
Variant type: Deletion.
Coding change: c.2740del on transcript NM_001040108.2 (MANE Select); coding-DNA position 2740, one base deleted (G; older notation c.2740delG).
Protein change: p.Val914fs; shifts the reading frame from valine 914.
Molecular consequence: frameshift variant.
Genome position (GRCh38, 1-based): chr14:75,046,916, C deleted on the plus strand (G on the coding strand, the reverse complement: MLH3 is on the minus strand). VCF-style (leftmost placement, unchanged base first): chr14-75046915-AC-A. GRCh37 (hg19) VCF-style: chr14-75513618-AC-A.
Other names: c.2740del, p.Val914fs (NM_014381.3); short protein forms V914fs.
Identifiers: ClinVar variation 2625662 (VCV002625662.3), dbSNP rs1892274743, ClinGen allele CA2147317407.
Genomic context (GRCh38, chr14:75,046,915, plus strand): 5'-ACACCATTCTCTGTTTTTTCATGCTTGTTGTTAAATAACATACAAAAATCTTGTGTTAAC[AC>A]ACTGCACAACTTGCTGTCTTTCCTACTGGAATCTGAATTTGGAAGTTCATTAAAACGACT-3'

ClinVar aggregate classification (germline): Pathogenic (1 of 4 stars; one submission).

Submission:

Ambry Genetics
Classification: Pathogenic. Last evaluated: 2026-06-03. Review status: criteria provided, single submitter. Criteria: Ambry Variant Classification Scheme 2023. Collection method: clinical testing. Allele origin: germline.
Comment: The c.2740delG pathogenic mutation, located in coding exon 1 of the MLH3 gene, results from a deletion of one nucleotide at nucleotide position 2740, causing a translational frameshift with a predicted alternate stop codon (p.V914Cfs*2). This variant is considered to be rare based on population cohorts in the Genome Aggregation Database (gnomAD). This variant is expected to result in loss of function by premature protein truncation or nonsense-mediated mRNA decay. As such, this variant is interpreted as a disease-causing mutation.